The following is an entry in ClinVar:

ClinVar aggregate classification (germline): Conflicting classifications of pathogenicity. Review status: criteria provided, conflicting classifications (1 of 4 stars). 2 submissions from 2 submitters: Uncertain significance (1); Likely benign (1). Last evaluated 2026-02-16.

Conditions:
Cardiovascular phenotype. Identifiers: MedGen CN230736.

Allele frequency attached by ClinVar (database versions not stated): gnomAD exomes below 0.00001; TOPMed below 0.00001.
gnomAD v4.1: 4 of 1,613,608 alleles (0.00025%); highest among the groups gnomAD compares: African/African-American, 0.004%; no homozygotes.

Submissions (2):

Ambry Genetics
Classification: Likely benign for Cardiovascular phenotype. Last evaluated: 2026-02-16. Review status: criteria provided, single submitter. Criteria: Ambry Variant Classification Scheme 2023. Collection method: clinical testing. Allele origin: germline.

Labcorp Genetics (formerly Invitae), Labcorp
Classification: Uncertain significance. Last evaluated: 2025-09-02. Review status: criteria provided, single submitter. Criteria: Invitae Variant Classification Sherloc (09022015). Collection method: clinical testing. Allele origin: germline.
Comment: This sequence change replaces methionine, which is neutral and non-polar, with isoleucine, which is neutral and non-polar, at codon 900 of the ALPK3 protein (p.Met900Ile). This variant is not present in population databases (gnomAD no frequency). This variant has not been reported in the literature in individuals affected with ALPK3-related conditions. ClinVar contains an entry for this variant (Variation ID: 1906837). Invitae Evidence Modeling of protein sequence and biophysical properties (such as structural, functional, and spatial information, amino acid conservation, physicochemical variation, residue mobility, and thermodynamic stability) indicates that this missense variant is not expected to disrupt ALPK3 protein function with a negative predictive value of 80%. In summary, the available evidence is currently insufficient to determine the role of this variant in disease. Therefore, it has been classified as a Variant of Uncertain Significance.

NM_020778.5(ALPK3):c.2094G>A (p.Met698Ile)

Gene: ALPK3 (alpha kinase 3; plus strand). Cytogenetic location: 15q25.3.
Variant type: single nucleotide variant.
Coding change: c.2094G>A on transcript NM_020778.5 (MANE Select); coding-DNA position 2094, G replaced by A.
Protein change: p.Met698Ile; replaces methionine 698 with isoleucine.
Molecular consequence: missense variant.
Genome position (GRCh38, 1-based): chr15:84,856,832, G>A. VCF-style: chr15-84856832-G-A. GRCh37 (hg19) VCF-style: chr15-85400063-G-A.
Other names: c.2700G>A (NM_020778.4); short protein forms M698I.
Identifiers: ClinVar variation 1906837 (VCV001906837.7), dbSNP rs1330180462, ClinGen allele CA393355905.